The following is an entry in ClinVar:

NM_001142800.2(EYS):c.-121A>T

Gene: EYS (eyes shut homolog; minus strand). Cytogenetic location: 6q12.
Variant type: single nucleotide variant.
Coding change: c.-121A>T on transcript NM_001142800.2 (MANE Select); 121 bases upstream of the start codon, A replaced by T.
Molecular consequence: 5 prime UTR variant.
Genome position (GRCh38, 1-based): chr6:65,495,531, T>A on the plus strand (A>T on the coding strand, the complement: EYS is on the minus strand). VCF-style: chr6-65495531-T-A. GRCh37 (hg19) VCF-style: chr6-66205424-T-A.
Other names: c.-121A>T (NM_001142801.2, NM_001292009.2, NM_198283.2).
Identifiers: ClinVar variation 1521985 (VCV001521985.5), dbSNP rs963390874, ClinGen allele CA140435005.

ClinVar aggregate classification (germline): Uncertain significance (1 of 4 stars; one submission).

Allele frequency attached by ClinVar (database versions not stated): gnomAD exomes 0.00001; gnomAD 0.00003 and 0.00004; TOPMed 0.00003.
gnomAD v4.1: 12 of 1,000,418 alleles (0.0012%); highest among the groups gnomAD compares: Non-Finnish European, 0.0017%; no homozygotes.

Submission:

Labcorp Genetics (formerly Invitae), Labcorp
Classification: Uncertain significance. Last evaluated: 2024-12-16. Review status: criteria provided, single submitter. Criteria: Invitae Variant Classification Sherloc (09022015). Collection method: clinical testing. Allele origin: germline.
Comment: This variant occurs in a non-coding region of the EYS gene. It does not change the encoded amino acid sequence of the EYS protein. This variant is not present in population databases (gnomAD no frequency). This variant has not been reported in the literature in individuals affected with EYS-related conditions. ClinVar contains an entry for this variant (Variation ID: 1521985). Experimental studies and prediction algorithms are not available or were not evaluated, and the functional significance of this variant is currently unknown. In summary, the available evidence is currently insufficient to determine the role of this variant in disease. Therefore, it has been classified as a Variant of Uncertain Significance.